The following is an entry in ClinVar:

NM_001845.6(COL4A1):c.4424A>T (p.Tyr1475Phe)

Gene: COL4A1 (collagen type IV alpha 1 chain; minus strand). Cytogenetic location: 13q34.
Variant type: single nucleotide variant.
Coding change: c.4424A>T on transcript NM_001845.6 (MANE Select); coding-DNA position 4424, A replaced by T.
Protein change: p.Tyr1475Phe; replaces tyrosine 1475 with phenylalanine.
Molecular consequence: missense variant.
Genome position (GRCh38, 1-based): chr13:110,162,268, T>A on the plus strand (A>T on the coding strand, the complement: COL4A1 is on the minus strand). VCF-style: chr13-110162268-T-A. GRCh37 (hg19) VCF-style: chr13-110814615-T-A.
Other names: short protein forms Y1475F.
Identifiers: ClinVar variation 1318736 (VCV001318736.5), dbSNP rs2139146108, ClinGen allele CA388657898.

ClinVar aggregate classification (germline): Uncertain significance. Review status: criteria provided, multiple submitters, no conflicts (2 of 4 stars). 2 submissions from 2 submitters: Uncertain significance (2). Last evaluated 2023-03-02.

Submissions (2):

Labcorp Genetics (formerly Invitae), Labcorp
Classification: Uncertain significance. Last evaluated: 2023-03-02. Review status: criteria provided, single submitter. Criteria: Invitae Variant Classification Sherloc (09022015). Collection method: clinical testing. Allele origin: germline.
Comment: This sequence change replaces tyrosine, which is neutral and polar, with phenylalanine, which is neutral and non-polar, at codon 1475 of the COL4A1 protein (p.Tyr1475Phe). In summary, the available evidence is currently insufficient to determine the role of this variant in disease. Therefore, it has been classified as a Variant of Uncertain Significance. Experimental studies and prediction algorithms are not available or were not evaluated, and the functional significance of this variant is currently unknown. ClinVar contains an entry for this variant (Variation ID: 1318736). This variant has not been reported in the literature in individuals affected with COL4A1-related conditions. This variant is not present in population databases (gnomAD no frequency).

GeneDx
Classification: Uncertain significance. Last evaluated: 2019-05-15. Review status: criteria provided, single submitter. Criteria: GeneDx Variant Classification Process June 2021. Collection method: clinical testing. Allele origin: germline. Affected: yes.
Comment: Not observed in large population cohorts (Lek et al., 2016); In silico analysis, which includes protein predictors and evolutionary conservation, supports a deleterious effect; Has not been previously published as pathogenic or benign to our knowledge